The following is an entry in ClinVar:

NM_005027.4(PIK3R2):c.583C>T (p.Arg195Cys)

Genes: PIK3R2 (phosphoinositide-3-kinase regulatory subunit 2; plus strand), LOC130063979 (ATAC-STARR-seq lymphoblastoid silent region 10375; plus strand). Cytogenetic location: 19p13.11.
Variant type: single nucleotide variant.
Coding change: c.583C>T on transcript NM_005027.4 (MANE Select); coding-DNA position 583, C replaced by T.
Protein change: p.Arg195Cys; replaces arginine 195 with cysteine.
Molecular consequence: missense variant. On other transcripts: non-coding transcript variant (2).
Genome position (GRCh38, 1-based): chr19:18,161,170, C>T. VCF-style: chr19-18161170-C-T. GRCh37 (hg19) VCF-style: chr19-18271980-C-T.
Other names: short protein forms R195C.
Identifiers: ClinVar variation 3719478 (VCV003719478.2).
Genomic context (GRCh38, chr19:18,161,170, plus strand): 5'-AAGAGCTTCCTGCTGGCACTGCCCGCGCCGCTCGTGACCCCCGAGGCCTCGGCCGAGGCG[C>T]GCCGGGCCCTGCGGGGTGAGCCTGGCGGGTAGCCCGGGGGAAGGAGGGGGCTGTAGCGGG-3'
Protein context (NP_005018.2, residues 185-205): LVTPEASAEA[Arg195Cys]RALREAAGPV

ClinVar aggregate classification (germline): Uncertain significance (1 of 4 stars; one submission).

Conditions:
Megalencephaly-polymicrogyria-postaxial polydactyly-hydrocephalus syndrome. Also called: MPPH Syndrome; MEG-PMG-MEGACC SYNDROME. Identifiers: Orphanet 83473, MedGen C1863924, MONDO:0019375.

Submission:

Labcorp Genetics (formerly Invitae), Labcorp
Classification: Uncertain significance for Megalencephaly-polymicrogyria-postaxial polydactyly-hydrocephalus syndrome. Last evaluated: 2024-04-16. Review status: criteria provided, single submitter. Criteria: Invitae Variant Classification Sherloc (09022015). Collection method: clinical testing. Allele origin: germline.
Comment: This sequence change replaces arginine, which is basic and polar, with cysteine, which is neutral and slightly polar, at codon 195 of the PIK3R2 protein (p.Arg195Cys). This variant is not present in population databases (gnomAD no frequency). This variant has not been reported in the literature in individuals affected with PIK3R2-related conditions. Advanced modeling of protein sequence and biophysical properties (such as structural, functional, and spatial information, amino acid conservation, physicochemical variation, residue mobility, and thermodynamic stability) performed at Invitae indicates that this missense variant is not expected to disrupt PIK3R2 protein function with a negative predictive value of 95%. In summary, the available evidence is currently insufficient to determine the role of this variant in disease. Therefore, it has been classified as a Variant of Uncertain Significance.